The following is an entry in ClinVar:

NM_001008212.2(OPTN):c.1552C>T (p.Gln518Ter)

Gene: OPTN (optineurin; plus strand). Cytogenetic location: 10p13.
Variant type: single nucleotide variant.
Coding change: c.1552C>T on transcript NM_001008212.2 (MANE Select); coding-DNA position 1552, C replaced by T.
Protein change: p.Gln518Ter; replaces glutamine 518 with a stop codon.
Molecular consequence: nonsense.
Genome position (GRCh38, 1-based): chr10:13,133,521, C>T. VCF-style: chr10-13133521-C-T. GRCh37 (hg19) VCF-style: chr10-13175521-C-T.
Other names: c.1552C>T, p.Gln518Ter (NM_001008211.1, NM_001008213.1, NM_021980.4); short protein forms Q518*.
Identifiers: ClinVar variation 2198963 (VCV002198963.4), dbSNP rs780777015, ClinGen allele CA5411013.

ClinVar aggregate classification (germline): Pathogenic (1 of 4 stars; one submission).

Conditions:
Glaucoma 1, open angle, E. Identifiers: MedGen C1842026, MONDO:0007665.
Amyotrophic lateral sclerosis type 12 (ALS12). Also called: AMYOTROPHIC LATERAL SCLEROSIS 12 WITH OR WITHOUT FRONTOTEMPORAL DEMENTIA. Identifiers: Orphanet 803, MedGen C3150692, MONDO:0013264, OMIM 613435.
Primary open angle glaucoma (POAG). Also called: OPTN-related open angle glaucoma. Identifiers: MedGen C0339573, MONDO:0100553, OMIM 137760.

Allele frequency attached by ClinVar (database versions not stated): gnomAD exomes below 0.00001; ExAC 0.00001.

Submission:

Labcorp Genetics (formerly Invitae), Labcorp
Classification: Pathogenic for Primary open angle glaucoma; Glaucoma 1, open angle, E; Amyotrophic lateral sclerosis type 12. Last evaluated: 2025-08-26. Review status: criteria provided, single submitter. Criteria: Invitae Variant Classification Sherloc (09022015). Collection method: clinical testing. Allele origin: germline.
Comment: This sequence change creates a premature translational stop signal (p.Gln518*) in the OPTN gene. It is expected to result in an absent or disrupted protein product. Loss-of-function variants in OPTN are known to be pathogenic (PMID: 20428114). This variant is present in population databases (rs780777015, gnomAD 0.006%). This variant has not been reported in the literature in individuals affected with OPTN-related conditions. ClinVar contains an entry for this variant (Variation ID: 2198963). Algorithms developed to predict the effect of sequence changes on RNA splicing suggest that this variant may disrupt the consensus splice site. For these reasons, this variant has been classified as Pathogenic.

Literature cited by the submitters: PubMed 20428114.